The following is an entry in ClinVar:

ClinVar aggregate classification (germline): Uncertain significance (1 of 4 stars; one submission).

Conditions:
ICHAD syndrome. Also called: IMMUNODYSREGULATION, CRANIOFACIAL ANOMALIES, HEARING IMPAIRMENT, ATHELIA, AND DEVELOPMENTAL DELAY. Identifiers: Orphanet 699599, MedGen C6012290, MONDO:0979234, OMIM 621234.

gnomAD v4.1: 1 of 1,610,346 alleles (0.000062%); highest among the groups gnomAD compares: Non-Finnish European, 0.000085%; no homozygotes.

Submission:

Precision Medicine Center, Zhengzhou University
Classification: Uncertain significance for ICHAD syndrome. Last evaluated: 2006-06-30. Review status: criteria provided, single submitter. Criteria: ClinGen HL ACMG Specifications v1. Collection method: clinical testing. Allele origin: maternal. Affected: yes.
Comment: PM2+PS3_supporting+PP1:The missense variant exhibits an extremely low allele frequency with negligible population prevalence in the gnomAD population database, indicating it is a rare variant in the general human population (PM2). Limited functional validation studies have demonstrated that this variant exerts a deleterious effect on gene function, providing supportive evidence for pathogenicity (PMID 39406892) (PS3_supporting). Familial co-segregation analysis confirmed that two additional family members carry the IKZF2 c.485A>C variant, confirming variant co-segregation with disease in the pedigree (PP1). According to the ACMG/AMP guidelines, this variant is classified as a Variant of Uncertain Significance (VUS).

Literature cited by the submitters: PubMed 39406892.

NM_001387220.1(IKZF2):c.485A>C (p.His162Pro)

Gene: IKZF2 (IKAROS family zinc finger 2; minus strand). Cytogenetic location: 2q34.
Variant type: single nucleotide variant.
Coding change: c.485A>C on transcript NM_001387220.1 (MANE Select); coding-DNA position 485, A replaced by C.
Protein change: p.His162Pro; replaces histidine 162 with proline.
Molecular consequence: missense variant.
Genome position (GRCh38, 1-based): chr2:213,049,802, T>G on the plus strand (A>C on the coding strand, the complement: IKZF2 is on the minus strand). VCF-style: chr2-213049802-T-G. GRCh37 (hg19) VCF-style: chr2-213914526-T-G.
Other names: c.407A>C, p.His136Pro (NM_001079526.2, NM_001371275.1, NM_001371276.1); c.485A>C, p.His162Pro (NM_001371274.1, NM_016260.3); c.404A>C, p.His135Pro (NM_001371277.1); short protein forms H135P, H136P, H162P.
Identifiers: ClinVar variation 4857408 (VCV004857408.1).